The following is an entry in ClinVar:

NM_007194.4(CHEK2):c.908+3A>C

Gene: CHEK2 (checkpoint kinase 2; minus strand). Cytogenetic location: 22q12.1.
Variant type: single nucleotide variant.
Coding change: c.908+3A>C on transcript NM_007194.4 (MANE Select); 3 bases into the intron after coding-DNA position 908, A replaced by C.
Molecular consequence: intron variant.
Genome position (GRCh38, 1-based): chr22:28,703,502, T>G on the plus strand (A>C on the coding strand, the complement: CHEK2 is on the minus strand). VCF-style: chr22-28703502-T-G. GRCh37 (hg19) VCF-style: chr22-29099490-T-G.
Other names: c.245+3A>C (NM_001437942.1, NM_001257387.3); c.707+3A>C (NM_001349956.3); c.908+3A>C (NM_145862.3); c.1001+3A>C (NM_001438295.1, NM_001438293.1); c.1037+3A>C (NM_001438294.1, NM_001005735.3).
Identifiers: ClinVar variation 2123874 (VCV002123874.4), dbSNP rs1601752050, ClinGen allele CA2580099363.

ClinVar aggregate classification (germline): Uncertain significance (1 of 4 stars; one submission).

Conditions:
Familial cancer of breast. Also called: BREAST CANCER, FAMILIAL; Hereditary breast cancer; hereditary breast carcinoma. Identifiers: Orphanet 227535, MedGen C0346153, MONDO:0016419, OMIM 114480. Disease mechanism: loss of function.

Submission:

Labcorp Genetics (formerly Invitae), Labcorp
Classification: Uncertain significance for Familial cancer of breast. Last evaluated: 2022-04-09. Review status: criteria provided, single submitter. Criteria: Invitae Variant Classification Sherloc (09022015). Collection method: clinical testing. Allele origin: germline.
Comment: In summary, the available evidence is currently insufficient to determine the role of this variant in disease. Therefore, it has been classified as a Variant of Uncertain Significance. Variants that disrupt the consensus splice site are a relatively common cause of aberrant splicing (PMID: 17576681, 9536098). Algorithms developed to predict the effect of sequence changes on RNA splicing suggest that this variant may disrupt the consensus splice site. This sequence change falls in intron 8 of the CHEK2 gene. It does not directly change the encoded amino acid sequence of the CHEK2 protein. It affects a nucleotide within the consensus splice site. This variant is not present in population databases (gnomAD no frequency). This variant has not been reported in the literature in individuals affected with CHEK2-related conditions.

Literature cited by the submitters: PubMed 17576681; PubMed 9536098.